The following is an entry in ClinVar:

ClinVar aggregate classification (germline): Uncertain significance (1 of 4 stars; one submission).

Conditions:
Hereditary nonpolyposis colorectal neoplasms. Identifiers: MedGen C0009405, MeSH D003123.

Submission:

Labcorp Genetics (formerly Invitae), Labcorp
Classification: Uncertain significance for Hereditary nonpolyposis colorectal neoplasms. Last evaluated: 2024-07-30. Review status: criteria provided, single submitter. Criteria: Invitae Variant Classification Sherloc (09022015). Collection method: clinical testing. Allele origin: germline.
Comment: This sequence change replaces asparagine, which is neutral and polar, with aspartic acid, which is acidic and polar, at codon 775 of the PMS2 protein (p.Asn775Asp). The frequency data for this variant in the population databases (gnomAD) is considered unreliable due to the presence of homologous sequence, such as pseudogenes or paralogs, in the genome. This variant has not been reported in the literature in individuals affected with PMS2-related conditions. Advanced modeling of protein sequence and biophysical properties (such as structural, functional, and spatial information, amino acid conservation, physicochemical variation, residue mobility, and thermodynamic stability) performed at Invitae indicates that this missense variant is expected to disrupt PMS2 protein function with a positive predictive value of 80%. In summary, the available evidence is currently insufficient to determine the role of this variant in disease. Therefore, it has been classified as a Variant of Uncertain Significance.

NM_000535.7(PMS2):c.2323A>G (p.Asn775Asp)

Gene: PMS2 (PMS1 homolog 2, mismatch repair system component; minus strand). Cytogenetic location: 7p22.1.
Variant type: single nucleotide variant.
Coding change: c.2323A>G on transcript NM_000535.7 (MANE Select); coding-DNA position 2323, A replaced by G.
Protein change: p.Asn775Asp; replaces asparagine 775 with aspartic acid.
Molecular consequence: missense variant. On other transcripts: non-coding transcript variant (1).
Genome position (GRCh38, 1-based): chr7:5,977,710, T>C on the plus strand (A>G on the coding strand, the complement: PMS2 is on the minus strand). VCF-style: chr7-5977710-T-C. GRCh37 (hg19) VCF-style: chr7-6017341-T-C.
Other names: c.2038A>G, p.Asn680Asp (NM_001406876.1); c.2014A>G, p.Asn672Asp (NM_001406877.1, NM_001406878.1, NM_001406879.1 and 4 more transcripts); c.2005A>G, p.Asn669Asp (NM_001406883.1, NM_001322007.2, NM_001322008.2); c.1999A>G, p.Asn667Asp (NM_001406884.1); c.1987A>G, p.Asn663Asp (NM_001406885.1); c.1918A>G, p.Asn640Asp (NM_001406895.1, NM_001406896.1, NM_001406897.1 and 11 more transcripts); c.1858A>G, p.Asn620Asp (NM_001406900.1); c.1849A>G, p.Asn617Asp (NM_001406901.1, NM_001406902.1); and 20 more; short protein forms N620D, N663D, N739D, N783D, N584D, N604D, N613D, N640D.
Identifiers: ClinVar variation 3660823 (VCV003660823.2).